The following is an entry in ClinVar:

NM_001134831.2(AHI1):c.786del (p.Glu262fs)

Gene: AHI1 (Abelson helper integration site 1; minus strand). Cytogenetic location: 6q23.3.
Variant type: Deletion.
Coding change: c.786del on transcript NM_001134831.2 (MANE Select); coding-DNA position 786, one base deleted (A; older notation c.786delA).
Protein change: p.Glu262fs; shifts the reading frame from glutamic acid 262.
Molecular consequence: frameshift variant.
Genome position (GRCh38, 1-based): chr6:135,463,270, T deleted on the plus strand (A on the coding strand, the reverse complement: AHI1 is on the minus strand); the first of 2 consecutive T bases (chr6:135,463,270-135,463,271); deleting either gives the same sequence. VCF-style (leftmost placement, unchanged base first): chr6-135463269-GT-G. GRCh37 (hg19) VCF-style: chr6-135784407-GT-G.
Other names: c.786del, p.Glu262fs (NM_001134830.2, NM_001134832.2, NM_001350503.2 and 2 more transcripts); short protein forms E262fs.
Identifiers: ClinVar variation 5016206 (VCV005016206.1).

ClinVar aggregate classification (germline): Pathogenic (1 of 4 stars; one submission).

Conditions:
Joubert syndrome 3 (JBTS3). Also called: AHI1-related Ciliopathy. Identifiers: Orphanet 220493, MedGen C1837713, MONDO:0012078, OMIM 608629.

Submission:

Myriad Genetics, Inc.
Classification: Pathogenic for Joubert syndrome 3. Last evaluated: 2026-08-07. Review status: criteria provided, single submitter. Criteria: Myriad Autosomal Dominant, Autosomal Recessive and X-Linked Classification Criteria (2023). Collection method: clinical testing. Allele origin: unknown.
Comment: NM_001134831.1(AHI1):c.786delA(E262Dfs*21) is expected to be pathogenic in the context of Joubert syndrome, AHI1-related. This variant is predicted to lead to an abnormal or absent protein product due to the creation of a premature termination codon in AHI1, a gene where loss-of-function variants are known to be pathogenic. Please note: this variant was assessed in the context of healthy population screening.